The following is an entry in ClinVar:

NM_001868.4(CPA1):c.421C>A (p.His141Asn)

Gene: CPA1 (carboxypeptidase A1; plus strand). Cytogenetic location: 7q32.2.
Variant type: single nucleotide variant.
Coding change: c.421C>A on transcript NM_001868.4 (MANE Select); coding-DNA position 421, C replaced by A.
Protein change: p.His141Asn; replaces histidine 141 with asparagine.
Molecular consequence: missense variant.
Genome position (GRCh38, 1-based): chr7:130,382,147, C>A. VCF-style: chr7-130382147-C-A. GRCh37 (hg19) VCF-style: chr7-130021988-C-A.
Other names: short protein forms H141N.
Identifiers: ClinVar variation 1738810 (VCV001738810.3), dbSNP rs1584851048, ClinGen allele CA369280919.

ClinVar aggregate classification (germline): Uncertain significance (1 of 4 stars; one submission).

Conditions:
Hereditary pancreatitis (PCTT). Also called: Hereditary chronic pancreatitis; PRSS1-Related Hereditary Pancreatitis. Identifiers: Orphanet 676, MedGen C0238339, MONDO:0008185, OMIM 167800.

Allele frequency attached by ClinVar (database versions not stated): TOPMed below 0.00001; gnomAD 0.00001.
gnomAD v4.1: 1 of 1,614,128 alleles (0.000062%); highest among the groups gnomAD compares: African/African-American, 0.0013%; no homozygotes.

Submission:

Ambry Genetics
Classification: Uncertain significance for Hereditary pancreatitis. Last evaluated: 2025-04-24. Review status: criteria provided, single submitter. Criteria: Ambry Variant Classification Scheme 2023. Collection method: clinical testing. Allele origin: germline.
Comment: The p.H141N variant (also known as c.421C>A), located in coding exon 4 of the CPA1 gene, results from a C to A substitution at nucleotide position 421. The histidine at codon 141 is replaced by asparagine, an amino acid with similar properties. This amino acid position is poorly conserved in available vertebrate species. In addition, this alteration is predicted to be tolerated by in silico analysis. Since supporting evidence is limited at this time, the clinical significance of this alteration remains unclear.